The following is an entry in ClinVar:

ClinVar aggregate classification (germline): Uncertain significance (1 of 4 stars; one submission).

Conditions:
Combined immunodeficiency due to MALT1 deficiency. Also called: Immunodeficiency 12. Identifiers: Orphanet 397964, MedGen C3809583, MONDO:0014197, OMIM 615468.

Allele frequency attached by ClinVar (database versions not stated): gnomAD exomes below 0.00001; ExAC 0.00001.
gnomAD v4.1: 2 of 1,614,094 alleles (0.00012%); highest among the groups gnomAD compares: Non-Finnish European, 0.000085%; no homozygotes.

Submission:

Labcorp Genetics (formerly Invitae), Labcorp
Classification: Uncertain significance for Combined immunodeficiency due to MALT1 deficiency. Last evaluated: 2022-05-12. Review status: criteria provided, single submitter. Criteria: Invitae Variant Classification Sherloc (09022015). Collection method: clinical testing. Allele origin: germline.
Comment: This variant has not been reported in the literature in individuals affected with MALT1-related conditions. In summary, the available evidence is currently insufficient to determine the role of this variant in disease. Therefore, it has been classified as a Variant of Uncertain Significance. Algorithms developed to predict the effect of missense changes on protein structure and function are either unavailable or do not agree on the potential impact of this missense change (SIFT: "Tolerated"; PolyPhen-2: "Possibly Damaging"; Align-GVGD: "Class C0"). This variant is present in population databases (rs778168597, gnomAD 0.0009%). This sequence change replaces glycine, which is neutral and non-polar, with cysteine, which is neutral and slightly polar, at codon 735 of the MALT1 protein (p.Gly735Cys).

NM_006785.4(MALT1):c.2203G>T (p.Gly735Cys)

Gene: MALT1 (MALT1 paracaspase; plus strand). Cytogenetic location: 18q21.32.
Variant type: single nucleotide variant.
Coding change: c.2203G>T on transcript NM_006785.4 (MANE Select); coding-DNA position 2203, G replaced by T.
Protein change: p.Gly735Cys; replaces glycine 735 with cysteine.
Molecular consequence: missense variant.
Genome position (GRCh38, 1-based): chr18:58,747,570, G>T. VCF-style: chr18-58747570-G-T. GRCh37 (hg19) VCF-style: chr18-56414802-G-T.
Other names: c.2170G>T, p.Gly724Cys (NM_173844.3); short protein forms G724C, G735C.
Identifiers: ClinVar variation 1926675 (VCV001926675.5), dbSNP rs778168597, ClinGen allele CA8978077.